The following is an entry in ClinVar:

ClinVar aggregate classification (germline): Likely benign (1 of 4 stars; one submission).

Conditions:
Mitochondrial complex V (ATP synthase) deficiency, nuclear type 1. Also called: Nuclear-Encoded ATPase Deficiency, ATPAF2-Related; MITOCHONDRIAL COMPLEX V (ATP SYNTHASE) DEFICIENCY, ATPAF2 TYPE. Identifiers: Orphanet 254913, MedGen C3276276, MONDO:0011421, OMIM 604273.

Allele frequency attached by ClinVar (database versions not stated): gnomAD 0.00029; 1000 Genomes Project 0.00200; TOPMed 0.00043; 1000 Genomes Project 30x 0.00187.
gnomAD v4.1: 248 of 1,473,484 alleles (0.017%); highest among the groups gnomAD compares: East Asian, 0.39%; 2 homozygotes.

Submission:

Illumina Laboratory Services, Illumina
Classification: Likely benign for Mitochondrial complex V (ATP synthase) deficiency, nuclear type 1. Last evaluated: 2018-01-12. Review status: criteria provided, single submitter. Criteria: ICSL Variant Classification Criteria 13 December 2019. Collection method: clinical testing. Allele origin: germline.
Comment: This variant was observed in the ICSL laboratory as part of a predisposition screen in an ostensibly healthy population. It had not been previously curated by ICSL or reported in the Human Gene Mutation Database (HGMD: prior to June 1st, 2018), and was therefore a candidate for classification through an automated scoring system. Utilizing variant allele frequency, disease prevalence and penetrance estimates, and inheritance mode, an automated score was calculated to assess if this variant is too frequent to cause the disease. Based on the score and internal cut-off values, a variant classified as likely benign is not then subjected to further curation. The score for this variant resulted in a classification of likely benign for this disease.

NM_145691.4(ATPAF2):c.-107G>A

Genes: ATPAF2 (ATP synthase mitochondrial F1 complex assembly factor 2; minus strand), LOC130060411 (ATAC-STARR-seq lymphoblastoid active region 11822; plus strand). Cytogenetic location: 17p11.2.
Variant type: single nucleotide variant.
Coding change: c.-107G>A on transcript NM_145691.4 (MANE Select); 107 bases upstream of the start codon, G replaced by A.
Molecular consequence: 5 prime UTR variant.
Genome position (GRCh38, 1-based): chr17:18,039,120, C>T on the plus strand (G>A on the coding strand, the complement: ATPAF2 is on the minus strand). VCF-style: chr17-18039120-C-T. GRCh37 (hg19) VCF-style: chr17-17942434-C-T.
Identifiers: ClinVar variation 322098 (VCV000322098.5), dbSNP rs371822840, ClinGen allele CA10648739.